The following is an entry in ClinVar:

NM_201253.3(CRB1):c.3563A>G (p.His1188Arg)

Gene: CRB1 (crumbs cell polarity complex component 1; plus strand). Cytogenetic location: 1q31.3.
Variant type: single nucleotide variant.
Coding change: c.3563A>G on transcript NM_201253.3 (MANE Select); coding-DNA position 3563, A replaced by G.
Protein change: p.His1188Arg; replaces histidine 1188 with arginine.
Molecular consequence: missense variant. On other transcripts: non-coding transcript variant (2), intron variant (1).
Genome position (GRCh38, 1-based): chr1:197,435,426, A>G. VCF-style: chr1-197435426-A-G. GRCh37 (hg19) VCF-style: chr1-197404556-A-G.
Other names: c.3491A>G, p.His1164Arg (NM_001257965.2); c.3227A>G, p.His1076Arg (NM_001193640.2); c.2129-174A>G (NM_001257966.2); short protein forms H1076R, H1164R, H1188R.
Identifiers: ClinVar variation 1018041 (VCV001018041.6), dbSNP rs1665105838, ClinGen allele CA344049739.

ClinVar aggregate classification (germline): Uncertain significance (1 of 4 stars; one submission).

Conditions:
Leber congenital amaurosis 8 (LCA8). Identifiers: Orphanet 65, MedGen C3151202, MONDO:0013453, OMIM 613835.
Retinitis pigmentosa 12 (RP12). Also called: RP WITH OR WITHOUT PRESERVED PARAARTERIOLE RETINAL PIGMENT EPITHELIUM; RETINITIS PIGMENTOSA WITH OR WITHOUT PARAARTERIOLAR PRESERVATION OF RETINAL PIGMENT EPITHELIUM; RP WITH OR WITHOUT PPRPE. Identifiers: Orphanet 791, MedGen C1838647, MONDO:0010818, OMIM 600105.

gnomAD v4.1: 1 of 1,598,508 alleles (0.000063%); highest among the groups gnomAD compares: South Asian, 0.0011%; no homozygotes.

Submission:

Labcorp Genetics (formerly Invitae), Labcorp
Classification: Uncertain significance for Leber congenital amaurosis 8; Retinitis pigmentosa 12. Last evaluated: 2021-09-01. Review status: criteria provided, single submitter. Criteria: Invitae Variant Classification Sherloc (09022015). Collection method: clinical testing. Allele origin: germline.
Comment: This sequence change replaces histidine with arginine at codon 1188 of the CRB1 protein (p.His1188Arg). The histidine residue is highly conserved and there is a small physicochemical difference between histidine and arginine. This variant is not present in population databases (ExAC no frequency). This variant has not been reported in the literature in individuals affected with CRB1-related conditions. Advanced modeling of protein sequence and biophysical properties (such as structural, functional, and spatial information, amino acid conservation, physicochemical variation, residue mobility, and thermodynamic stability) performed at Invitae indicates that this missense variant is expected to disrupt CRB1 protein function. In summary, the available evidence is currently insufficient to determine the role of this variant in disease. Therefore, it has been classified as a Variant of Uncertain Significance.